The following is an entry in ClinVar:

NM_001378615.1(CC2D2A):c.3688C>T (p.Arg1230Ter)

Genes: CC2D2A (coiled-coil and C2 domain containing 2A; plus strand), FBXL5 (F-box and leucine rich repeat protein 5; minus strand). Cytogenetic location: 4p15.32.
Variant type: single nucleotide variant.
Coding change: c.3688C>T on transcript NM_001378615.1 (MANE Select); coding-DNA position 3688, C replaced by T.
Protein change: p.Arg1230Ter; replaces arginine 1230 with a stop codon.
Molecular consequence: nonsense.
Genome position (GRCh38, 1-based): chr4:15,574,243, C>T. VCF-style: chr4-15574243-C-T. GRCh37 (hg19) VCF-style: chr4-15575866-C-T.
Other names: c.3688C>T, p.Arg1230Ter (NM_001080522.2); c.3541C>T, p.Arg1181Ter (NM_001378617.1); short protein forms R1230*, R1181*.
Identifiers: ClinVar variation 1395827 (VCV001395827.10), dbSNP rs1022325907, ClinGen allele CA92519140.

ClinVar aggregate classification (germline): Pathogenic. Review status: criteria provided, multiple submitters, no conflicts (2 of 4 stars). 6 submissions from 6 submitters: Pathogenic (6). Last evaluated 2025-11-04.

Conditions:
COACH syndrome 2. Identifiers: MedGen C5436837, MONDO:0030859, OMIM 619111.
Meckel syndrome, type 6. Identifiers: Orphanet 564, MedGen C2676790, MONDO:0012848, OMIM 612284.
Retinitis pigmentosa 93. Identifiers: MedGen C5676970, MONDO:0030797, OMIM 619845.
Joubert syndrome 9 (JBTS9). Identifiers: Orphanet 2318, MedGen C2676788, MONDO:0012849, OMIM 612285.
Joubert syndrome and related disorders. Identifiers: Orphanet 140874, MedGen C5679612, MONDO:0015369.
Joubert syndrome. Also called: JOUBERT-BOLTSHAUSER SYNDROME; Familial aplasia of the vermis. Identifiers: Orphanet 475, MedGen C5979921, MONDO:0018772.
Meckel-Gruber syndrome. Also called: DYSENCEPHALIA SPLANCHNOCYSTICA; GRUBER SYNDROME; Dysencephalia splachnocystica. Identifiers: Orphanet 564, MedGen C0265215, MONDO:0018921.
Joubert syndrome 1 (JBTS1). Also called: Cerebellooculorenal syndrome 1; CEREBELLOPARENCHYMAL DISORDER IV. Identifiers: MedGen C4551568, MONDO:0008944, OMIM 213300.

Allele frequency attached by ClinVar (database versions not stated): gnomAD exomes 0.00001 and 0.00002.
gnomAD v4.1: 12 of 1,551,468 alleles (0.00077%); highest among the groups gnomAD compares: East Asian, 0.0049%; no homozygotes.

Submissions (6):

Labcorp Genetics (formerly Invitae), Labcorp
Classification: Pathogenic for Joubert syndrome; Meckel-Gruber syndrome. Last evaluated: 2025-11-04. Review status: criteria provided, single submitter. Criteria: Invitae Variant Classification Sherloc (09022015). Collection method: clinical testing. Allele origin: germline.
Comment: This sequence change creates a premature translational stop signal (p.Arg1230*) in the CC2D2A gene. It is expected to result in an absent or disrupted protein product. Loss-of-function variants in CC2D2A are known to be pathogenic (PMID: 19777577). This variant is present in population databases (no rsID available, gnomAD 0.01%). This premature translational stop signal has been observed in individual(s) with Joubert syndrome (PMID: 23726790, 36468023). ClinVar contains an entry for this variant (Variation ID: 1395827). For these reasons, this variant has been classified as Pathogenic.

Myriad Genetics, Inc.
Classification: Pathogenic for Joubert syndrome and related disorders. Last evaluated: 2024-11-20. Review status: criteria provided, single submitter. Criteria: Myriad Autosomal Dominant, Autosomal Recessive and X-Linked Classification Criteria (2023). Collection method: clinical testing. Allele origin: unknown.
Comment: NM_001080522.2(CC2D2A):c.3688C>T(R1230*) is expected to be pathogenic in the context of CC2D2A-related disorders. This variant is predicted to lead to an abnormal or absent protein product due to the creation of a premature termination codon in CC2D2A, a gene where loss-of-function variants are known to be pathogenic. Please note: this variant was assessed in the context of healthy population screening.

MVZ Martinsried, Medicover Genetics
Classification: Pathogenic for Joubert syndrome 9. Last evaluated: 2022-06-08. Review status: criteria provided, single submitter. Criteria: ACGS Guidelines, 2020. Collection method: clinical testing. Allele origin: inherited.

GeneDx
Classification: Pathogenic. Last evaluated: 2022-05-23. Review status: criteria provided, single submitter. Criteria: GeneDx Variant Classification Process June 2021. Collection method: clinical testing. Allele origin: germline. Affected: yes.
Comment: Nonsense variant predicted to result in protein truncation or nonsense mediated decay in a gene for which loss of function is a known mechanism of disease; Not observed at significant frequency in large population cohorts (gnomAD); This variant is associated with the following publications: (PMID: 23726790)

Institute of Human Genetics, University Hospital of Duesseldorf
Classification: Pathogenic for Joubert syndrome 1. Review status: criteria provided, single submitter. Criteria: ACMG Guidelines, 2015. Collection method: not provided. Allele origin: germline. Inheritance: Autosomal recessive inheritance. Affected: yes.

Juno Genomics, Hangzhou Juno Genomics, Inc
Classification: Pathogenic for COACH syndrome 2; Joubert syndrome 9; Meckel syndrome, type 6; Retinitis pigmentosa 93. Review status: criteria provided, single submitter. Criteria: ACMG Guidelines, 2015. Collection method: clinical testing. Allele origin: germline. Affected: yes.
Comment: Absent from controls (or at extremely low frequency if recessive) in Genome Aggregation Database, Exome Sequencing Project, 1000 Genomes Project, or Exome Aggregation Consortium.;Null variant in a gene where loss of function (LOF) is a known mechanism of disease.;For recessive disorders, detected in trans with a pathogenic variant.;Patient's phenotype or family history is highly specific for a disease with a single genetic etiology.

Literature cited by the submitters: PubMed 19777577 (cited by Labcorp Genetics (formerly Invitae), Labcorp); PubMed 23726790 (cited by Labcorp Genetics (formerly Invitae), Labcorp); PubMed 36468023 (cited by Labcorp Genetics (formerly Invitae), Labcorp).